The following is an entry in ClinVar:

ClinVar aggregate classification (germline): Conflicting classifications of pathogenicity. Review status: criteria provided, conflicting classifications (1 of 4 stars). 4 submissions from 4 submitters: Likely pathogenic (1); Uncertain significance (3). Last evaluated 2023-08-31.

Conditions:
Polycystic kidney disease, adult type (PKD1). Also called: POLYCYSTIC KIDNEY DISEASE 1 WITH OR WITHOUT POLYCYSTIC LIVER DISEASE; Polycystic Kidney Disease 1, Autosomal Dominant; Polycystic kidney disease 1; Polycystic kidney disease 1, severe; Polycystic Kidney, Autosomal Dominant; POLYCYSTIC KIDNEY DISEASE, ADULT, TYPE I. Identifiers: MedGen C3149841, MONDO:0008263, OMIM 173900.

Submissions (4):

GeneDx
Classification: Uncertain significance. Last evaluated: 2023-08-31. Review status: criteria provided, single submitter. Criteria: GeneDx Variant Classification Process June 2021. Collection method: clinical testing. Allele origin: germline. Affected: yes.
Comment: Not observed at significant frequency in large population cohorts (gnomAD); In silico analysis supports that this missense variant has a deleterious effect on protein structure/function; This variant is associated with the following publications: (PMID: 33454723)

Fulgent Genetics
Classification: Uncertain significance for Polycystic kidney disease, adult type. Last evaluated: 2021-09-21. Review status: criteria provided, single submitter. Criteria: ACMG Guidelines, 2015. Collection method: clinical testing. Allele origin: unknown.

Cavalleri Lab, Royal College of Surgeons in Ireland
Classification: Uncertain significance for Polycystic kidney disease, adult type. Last evaluated: 2020-02-05. Review status: criteria provided, single submitter. Criteria: ACMG Guidelines, 2015. Collection method: research. Allele origin: unknown. Inheritance: Autosomal dominant inheritance. Affected: yes.
Comment: PM2,PP3, PP4, PP5

Juno Genomics, Hangzhou Juno Genomics, Inc
Classification: Likely pathogenic for Polycystic kidney disease, adult type. Review status: criteria provided, single submitter. Criteria: ACMG Guidelines, 2015. Collection method: clinical testing. Allele origin: germline. Affected: yes.
Comment: Absent from controls (or at extremely low frequency if recessive) in Genome Aggregation Database, Exome Sequencing Project, 1000 Genomes Project, or Exome Aggregation Consortium.;Multiple lines of computational evidence support a deleterious effect on the gene or gene product (conservation, evolutionary, splicing impact, etc).;The prevalence of the variant in affected individuals is significantly increased compared to the prevalence in controls.;Patient's phenotype or family history is highly specific for a disease with a single genetic etiology.;Assumed de novo, but without confirmation of paternity and maternity.

NM_001009944.3(PKD1):c.9425T>C (p.Leu3142Pro)

Gene: PKD1 (polycystin 1, transient receptor potential channel interacting; minus strand). Cytogenetic location: 16p13.3.
Variant type: single nucleotide variant.
Coding change: c.9425T>C on transcript NM_001009944.3 (MANE Select); coding-DNA position 9425, T replaced by C.
Protein change: p.Leu3142Pro; replaces leucine 3142 with proline.
Molecular consequence: missense variant.
Genome position (GRCh38, 1-based): chr16:2,100,539, A>G on the plus strand (T>C on the coding strand, the complement: PKD1 is on the minus strand). VCF-style: chr16-2100539-A-G. GRCh37 (hg19) VCF-style: chr16-2150540-A-G.
Other names: c.9425T>C, p.Leu3142Pro (NM_000296.4); c.9425T>C (NM_001009944.2); short protein forms L3142P.
Identifiers: ClinVar variation 873368 (VCV000873368.5), dbSNP rs2092051851, ClinGen allele CA394356596.